The following is an entry in ClinVar:

NM_012469.4(PRPF6):c.2148G>A (p.Gly716=)

Gene: PRPF6 (pre-mRNA processing factor 6; plus strand). Cytogenetic location: 20q13.33.
Variant type: single nucleotide variant.
Coding change: c.2148G>A on transcript NM_012469.4 (MANE Select); coding-DNA position 2148, G replaced by A.
Protein change: p.Gly716=; no amino-acid change (glycine 716 retained).
Molecular consequence: synonymous variant.
Genome position (GRCh38, 1-based): chr20:64,027,101, G>A. VCF-style: chr20-64027101-G-A. GRCh37 (hg19) VCF-style: chr20-62658454-G-A.
Identifiers: ClinVar variation 3898702 (VCV003898702.7).
Genomic context (GRCh38, chr20:64,027,101, plus strand): 5'-TCTGTGCGAGGAGGCCCTGCGGCACTATGAGGACTTCCCCAAGCTGTGGATGATGAAGGG[G>A]CAGATCGAGGAGCAGAAGGAGATGATGGAGAAGGCGCGGGAAGCCTATAACCAGGGGGTA-3'
Protein context (NP_036601.2, residues 706-726): EDFPKLWMMK[Gly716=]QIEEQKEMME

ClinVar aggregate classification (germline): Likely benign (1 of 4 stars; one submission).

Submission:

CeGaT Center for Human Genetics Tuebingen
Classification: Likely benign. Last evaluated: 2025-04-01. Review status: criteria provided, single submitter. Criteria: CeGaT Center For Human Genetics Tuebingen Variant Classification Criteria Version 2. Collection method: clinical testing. Allele origin: germline. Affected: yes. Observed: 1 variant allele.
Comment: PRPF6: PM2:Supporting, BP4, BP7